The following is an entry in ClinVar:

ClinVar aggregate classification (germline): Uncertain significance (1 of 4 stars; one submission).

Conditions:
Familial cancer of breast. Also called: Hereditary breast cancer; BREAST CANCER, FAMILIAL; hereditary breast carcinoma. Identifiers: Orphanet 227535, MedGen C0346153, MONDO:0016419, OMIM 114480. Disease mechanism: loss of function.

Submission:

Labcorp Genetics (formerly Invitae), Labcorp
Classification: Uncertain significance for Familial cancer of breast. Last evaluated: 2023-05-25. Review status: criteria provided, single submitter. Criteria: Invitae Variant Classification Sherloc (09022015). Collection method: clinical testing. Allele origin: germline.
Comment: This sequence change replaces glycine, which is neutral and non-polar, with arginine, which is basic and polar, at codon 1028 of the PALB2 protein (p.Gly1028Arg). This variant is not present in population databases (gnomAD no frequency). This missense change has been observed in individual(s) with breast cancer (PMID: 33646313). Advanced modeling of protein sequence and biophysical properties (such as structural, functional, and spatial information, amino acid conservation, physicochemical variation, residue mobility, and thermodynamic stability) performed at Invitae indicates that this missense variant is expected to disrupt PALB2 protein function. In summary, the available evidence is currently insufficient to determine the role of this variant in disease. Therefore, it has been classified as a Variant of Uncertain Significance.

Literature cited by the submitters: PubMed 33646313.

NM_024675.4(PALB2):c.3082G>C (p.Gly1028Arg)

Gene: PALB2 (partner and localizer of BRCA2; minus strand). Cytogenetic location: 16p12.2.
Variant type: single nucleotide variant.
Coding change: c.3082G>C on transcript NM_024675.4 (MANE Select); coding-DNA position 3082, G replaced by C.
Protein change: p.Gly1028Arg; replaces glycine 1028 with arginine.
Molecular consequence: missense variant. On other transcripts: intron variant (1).
Genome position (GRCh38, 1-based): chr16:23,621,393, C>G on the plus strand (G>C on the coding strand, the complement: PALB2 is on the minus strand). VCF-style: chr16-23621393-C-G. GRCh37 (hg19) VCF-style: chr16-23632714-C-G.
Other names: c.3022G>C, p.Gly1008Arg (NM_001407296.1); c.3082G>C, p.Gly1028Arg (NM_001407301.1, NM_001407299.1); c.2035G>C, p.Gly679Arg (NM_001407307.1); c.2197G>C, p.Gly733Arg (NM_001407306.1, NM_001407304.1, NM_001407308.1 and 4 more transcripts); c.2920G>C, p.Gly974Arg (NM_001407302.1, NM_001407298.1); c.3010G>C, p.Gly1004Arg (NM_001407297.1); c.1294G>C, p.Gly432Arg (NM_001407312.1, NM_001407313.1); c.616G>C, p.Gly206Arg (NM_001407314.1); and 1 more; short protein forms G974R, G1008R, G679R, G1028R, G1004R, G206R, G432R, G733R.
Identifiers: ClinVar variation 2780338 (VCV002780338.3), dbSNP rs2142326566, ClinGen allele CA395142897.